The following is an entry in ClinVar:

ClinVar aggregate classification (germline): Uncertain significance. Review status: reviewed by expert panel (3 of 4 stars). 2 submissions from 2 submitters: Uncertain significance (1). 1 of the submissions does not count toward it. Last evaluated 2025-07-11.

Conditions:
Inborn genetic diseases. Identifiers: MedGen C0950123, MeSH D030342.
Hereditary thrombocytopenia and hematologic cancer predisposition syndrome. Identifiers: Orphanet 71290, MedGen CN281654, MONDO:0011071.

Submissions (2):

ClinGen Myeloid Malignancy Variant Curation Expert Panel
Classification: Uncertain significance for Hereditary thrombocytopenia and hematologic cancer predisposition syndrome. Last evaluated: 2025-07-11. Review status: reviewed by expert panel. Criteria: ClinGen MyeloMalig ACMG Specifications v2. Collection method: curation. Allele origin: germline. Inheritance: Autosomal dominant inheritance.
Comment: NM_001754.5(RUNX1):c.255_258delinsTGCC (p.Pro86Ala) is a missense variant which is completely absent from all population databases with at least 20x coverage for RUNX1 (PM2_Supporting). In summary, the clinical significance of this variant is uncertain. ACMG/AMP criteria applied, as specified by the Myeloid Malignancy Variant Curation Expert Panel for RUNX1: PM2_supporting.

Ambry Genetics
Classification: Uncertain significance for Inborn genetic diseases. Last evaluated: 2025-03-04. Review status: criteria provided, single submitter. Criteria: Ambry Variant Classification Scheme 2023. Collection method: clinical testing. Allele origin: germline. Not counted in ClinVar's aggregate classification.
Comment: The c.255_258delCCCGinsTGCC variant (also known as p.P86A), located in coding exon 3 of the RUNX1 gene, results from an in-frame deletion of CCCG and insertion of TGCC at nucleotide positions 255 to 258. This results in the substitution of the proline residue for an alanine residue at codon 86, an amino acid with highly similar properties. This amino acid position is not well conserved in available vertebrate species, and alanine is the reference amino acid in other vertebrate species. In addition, the in silico prediction for this alteration is inconclusive. Based on the available evidence, the clinical significance of this variant remains unclear.

NM_001754.5(RUNX1):c.255_258delinsTGCC (p.Pro86Ala)

Gene: RUNX1 (RUNX family transcription factor 1; minus strand). Cytogenetic location: 21q22.12.
Variant type: Indel.
Coding change: c.255_258delinsTGCC on transcript NM_001754.5 (MANE Select); coding-DNA positions 255 to 258, CCCG replaced by TGCC.
Protein change: p.Pro86Ala; replaces proline 86 with alanine.
Molecular consequence: missense variant.
Genome position (GRCh38, 1-based): chr21:34,886,936-34,886,939, CGGG replaced by GGCA on the plus strand (CCCG replaced by TGCC on the coding strand, the reverse complement: RUNX1 is on the minus strand). VCF-style: chr21-34886936-CGGG-GGCA. GRCh37 (hg19) VCF-style: chr21-36259233-CGGG-GGCA.
Other names: NM_001754.5(RUNX1):c.255_258delinsTGCC; p.Pro86Ala; c.174_177delinsTGCC, p.Pro59Ala (NM_001001890.3, NM_001122607.2); short protein forms P86A, P59A.
Identifiers: ClinVar variation 3791504 (VCV003791504.1).